The following is an entry in ClinVar:

NM_000903.3(NQO1):c.704C>G (p.Ala235Gly)

Gene: NQO1 (NAD(P)H quinone dehydrogenase 1; minus strand). Cytogenetic location: 16q22.1.
Variant type: single nucleotide variant.
Coding change: c.704C>G on transcript NM_000903.3 (MANE Select); coding-DNA position 704, C replaced by G.
Protein change: p.Ala235Gly; replaces alanine 235 with glycine.
Molecular consequence: missense variant.
Genome position (GRCh38, 1-based): chr16:69,711,097, G>C on the plus strand (C>G on the coding strand, the complement: NQO1 is on the minus strand). VCF-style: chr16-69711097-G-C. GRCh37 (hg19) VCF-style: chr16-69745000-G-C.
Other names: c.602C>G, p.Ala201Gly (NM_001025433.2); c.590C>G, p.Ala197Gly (NM_001025434.2); c.488C>G, p.Ala163Gly (NM_001286137.2); short protein forms A163G, A197G, A201G, A235G.
Identifiers: ClinVar variation 1756869 (VCV001756869.2), dbSNP rs2544318107, ClinGen allele CA396487559.

ClinVar aggregate classification (germline): Uncertain significance (1 of 4 stars; one submission).

Allele frequency attached by ClinVar (database versions not stated): gnomAD exomes below 0.00001.

Submission:

Ambry Genetics
Classification: Uncertain significance. Last evaluated: 2022-09-03. Review status: criteria provided, single submitter. Criteria: Ambry Variant Classification Scheme 2023. Collection method: clinical testing. Allele origin: germline.
Comment: The p.A235G variant (also known as c.704C>G), located in coding exon 6 of the NQO1 gene, results from a C to G substitution at nucleotide position 704. The alanine at codon 235 is replaced by glycine, an amino acid with similar properties. This amino acid position is conserved. In addition, this alteration is predicted to be tolerated by in silico analysis. Since supporting evidence is limited at this time, the clinical significance of this alteration remains unclear.